The following is an entry in ClinVar:

ClinVar aggregate classification (germline): Likely pathogenic. Review status: criteria provided, multiple submitters, no conflicts (2 of 4 stars). 4 submissions from 4 submitters: Likely pathogenic (4). Last evaluated 2025-12-12.

Conditions:
Usher syndrome type 1 (USH1). Also called: RETINITIS PIGMENTOSA AND CONGENITAL DEAFNESS. Identifiers: Orphanet 231169, Orphanet 886, MedGen C1568247, MONDO:0010168, OMIM 276900.
Usher syndrome type 1D (USH1D). Also called: USHER SYNDROME, TYPE ID. Identifiers: Orphanet 231169, Orphanet 886, MedGen C1832845, MONDO:0010984, OMIM 601067.

Submissions (4):

Natera, Inc.
Classification: Likely pathogenic for Usher syndrome type 1. Last evaluated: 2025-12-12. Review status: criteria provided, single submitter. Criteria: Natera Variant Classification Schema (03/2026). Collection method: clinical testing. Allele origin: germline.
Comment: The c.7225-1G>A variant in CDH23 is a canonical splice acceptor site variant predicted to affect pre-mRNA splicing, which may result in an abnormal transcript and altered protein product. This variant is expected to result in nonsense mediated decay, truncation, or a dysfunctional protein product. This variant is rare in the general population with a frequency below the threshold expected for the associated phenotype(s). Given the available evidence, this variant is classified as Likely Pathogenic.

New York Genome Center
Classification: Likely pathogenic for Usher syndrome type 1D. Last evaluated: 2021-03-26. Review status: criteria provided, single submitter. Criteria: NYGC Assertion Criteria 2020. Collection method: clinical testing. Allele origin: inherited. Observed: 1 compound heterozygote. Study: CSER-NYCKidSeq.
Comment: The inherited heterozygous c.7225-1G>A splice site variant identified in intron 51 (of 69) of the CDH23 gene has not been reported in affected individuals in the literature. The variant alters the canonical splice accepter site and is predicted to result in abnormal mRNA splicing. The variant is absent from gnomAD(v3) database suggesting it is not a common benign allele in the populations represented in that database. Based onthe available evidence, the inherited heterozygous c.7225-1G>A splice site variant in the CDH23 gene is reported as likely pathogenic.

GeneDx
Classification: Likely pathogenic. Last evaluated: 2017-09-29. Review status: criteria provided, single submitter. Criteria: GeneDx Variant Classification (06012015). Collection method: clinical testing. Allele origin: germline. Affected: yes.
Comment: The c.7225-1G>A variant in the CDH23 gene has not been reported previously as a pathogenic variant nor as a benign variant, to our knowledge. However, another variant at the same splice site (c.7225-2A>G) has been reported in the homozygous state, in addition to a heterozygous PCDH15 frameshift variant, in an individual with Usher syndrome type 1 (Bujakowska et al., 2014). The c.7225-1G>A splice site variant destroys the canonical splice acceptor site in intron 51. It is predicted to cause abnormal gene splicing resulting in an in-frame protein product with an abnormal message. However, in the absence of RNA/functional studies, the actual effect of c.7225-1G>A in this individual is unknown. The c.7225-1G>A variant was not observed in approximately 6500 individuals of European and African American ancestry in the NHLBI Exome Sequencing Project, indicating it is not a common benign variant in these populations. Therefore, we interpret c.7225-1G>A as a likely pathogenic variant.

Juno Genomics, Hangzhou Juno Genomics, Inc
Classification: Likely pathogenic for Usher syndrome type 1D. Review status: criteria provided, single submitter. Criteria: ACMG Guidelines, 2015. Collection method: clinical testing. Allele origin: germline.
Comment: Absent from controls (or at extremely low frequency if recessive) in Genome Aggregation Database.;Null variant in a gene where loss of function (LOF) is a known mechanism of disease.;Patient's phenotype or family history is highly specific for a disease with a single genetic etiology.

NM_022124.6(CDH23):c.7225-1G>A

Gene: CDH23 (cadherin related 23; plus strand). Cytogenetic location: 10q22.1.
Variant type: single nucleotide variant.
Coding change: c.7225-1G>A on transcript NM_022124.6 (MANE Select); the canonical splice acceptor site of the intron before coding-DNA position 7225, G replaced by A.
Molecular consequence: splice acceptor variant.
Genome position (GRCh38, 1-based): chr10:71,799,491, G>A. VCF-style: chr10-71799491-G-A. GRCh37 (hg19) VCF-style: chr10-73559248-G-A.
Other names: c.505-1G>A (NM_001171933.1, NM_001171934.1).
Identifiers: ClinVar variation 422346 (VCV000422346.6), dbSNP rs1064795722, ClinGen allele CA16618983.